The following is an entry in ClinVar:

ClinVar aggregate classification (germline): Pathogenic/Likely pathogenic. Review status: criteria provided, multiple submitters, no conflicts (2 of 4 stars). 3 submissions from 3 submitters: Pathogenic (2); Likely pathogenic (1). Last evaluated 2023-09-10.

Conditions:
Familial cancer of breast. Also called: Hereditary breast cancer; hereditary breast carcinoma; BREAST CANCER, FAMILIAL. Identifiers: Orphanet 227535, MedGen C0346153, MONDO:0016419, OMIM 114480. Disease mechanism: loss of function.
Fanconi anemia complementation group J. Also called: BRIP1-Related Fanconi Anemia. Identifiers: Orphanet 84, MedGen C1836860, MONDO:0012187, OMIM 609054.

Allele frequency attached by ClinVar (database versions not stated): gnomAD 0.00001.
gnomAD v4.1: 1 of 1,613,768 alleles (0.000062%); highest among the groups gnomAD compares: Non-Finnish European, 0.000085%; no homozygotes.

Submissions (3):

Labcorp Genetics (formerly Invitae), Labcorp
Classification: Pathogenic for Familial cancer of breast; Fanconi anemia complementation group J. Last evaluated: 2023-09-10. Review status: criteria provided, single submitter. Criteria: Invitae Variant Classification Sherloc (09022015). Collection method: clinical testing. Allele origin: germline.
Comment: This sequence change creates a premature translational stop signal (p.Ser269*) in the BRIP1 gene. It is expected to result in an absent or disrupted protein product. Loss-of-function variants in BRIP1 are known to be pathogenic (PMID: 16116423, 17033622, 21964575). For these reasons, this variant has been classified as Pathogenic. ClinVar contains an entry for this variant (Variation ID: 2044650). This variant has not been reported in the literature in individuals affected with BRIP1-related conditions. This variant is present in population databases (no rsID available, gnomAD 0.01%).

Myriad Genetics, Inc.
Classification: Pathogenic for Familial cancer of breast. Last evaluated: 2023-05-31. Review status: criteria provided, single submitter. Criteria: Myriad Autosomal Dominant, Autosomal Recessive and X-Linked Classification Criteria (2023). Collection method: clinical testing. Allele origin: unknown.
Comment: This variant is considered pathogenic. This variant creates a termination codon and is predicted to result in premature protein truncation.

Baylor Genetics
Classification: Likely pathogenic for Familial cancer of breast. Last evaluated: 2021-10-25. Review status: criteria provided, single submitter. Criteria: ACMG Guidelines, 2015. Collection method: clinical testing. Allele origin: unknown.

Literature cited by the submitters: PubMed 16116423 (cited by Labcorp Genetics (formerly Invitae), Labcorp); PubMed 17033622 (cited by Labcorp Genetics (formerly Invitae), Labcorp); PubMed 21964575 (cited by Labcorp Genetics (formerly Invitae), Labcorp).

NM_032043.3(BRIP1):c.806C>G (p.Ser269Ter)

Gene: BRIP1 (BRCA1 interacting DNA helicase 1; minus strand). Cytogenetic location: 17q23.2.
Variant type: single nucleotide variant.
Coding change: c.806C>G on transcript NM_032043.3 (MANE Select); coding-DNA position 806, C replaced by G.
Protein change: p.Ser269Ter; replaces serine 269 with a stop codon.
Molecular consequence: nonsense.
Genome position (GRCh38, 1-based): chr17:61,808,579, G>C on the plus strand (C>G on the coding strand, the complement: BRIP1 is on the minus strand). VCF-style: chr17-61808579-G-C. GRCh37 (hg19) VCF-style: chr17-59885940-G-C.
Other names: short protein forms S269*.
Identifiers: ClinVar variation 2044650 (VCV002044650.7), dbSNP rs1412610651, ClinGen allele CA400484874.
Genomic context (GRCh38, chr17:61,808,579, plus strand): 5'-ACTACCTCAGGATGGACACAAGTATGATCCCTGCTGGAAAGAATAGTCATTGGAACCCCT[G>C]AATATGCCGTCCTCCGGAGCTCTCTAGTAATCTGAGCAATCTGCTTGTGTGTGCGTGTCC-3'